The following is an entry in ClinVar:

NM_000059.4(BRCA2):c.4066T>G (p.Leu1356Val)

Gene: BRCA2 (BRCA2 DNA repair associated; plus strand). Cytogenetic location: 13q13.1.
Variant type: single nucleotide variant.
Coding change: c.4066T>G on transcript NM_000059.4 (MANE Select); coding-DNA position 4066, T replaced by G.
Protein change: p.Leu1356Val; replaces leucine 1356 with valine.
Molecular consequence: missense variant. On other transcripts: non-coding transcript variant (1), intron variant (2).
Genome position (GRCh38, 1-based): chr13:32,338,421, T>G. VCF-style: chr13-32338421-T-G. GRCh37 (hg19) VCF-style: chr13-32912558-T-G.
Other names: c.4066T>G, p.Leu1356Val (NM_001406719.1, NM_001406720.1, NM_001432077.1); c.1909+5034T>G (NM_001406721.1); c.425-6137T>G (NM_001406722.1); short protein forms L1356V.
Identifiers: ClinVar variation 3894158 (VCV003894158.1).

ClinVar aggregate classification (germline): Uncertain significance (1 of 4 stars; one submission).

Conditions:
Hereditary cancer-predisposing syndrome. Also called: Neoplastic Syndromes, Hereditary; Tumor predisposition; Hereditary Cancer Syndrome; Hereditary neoplastic syndrome. Identifiers: Orphanet 140162, MedGen C0027672, MeSH D009386, MONDO:0015356.

Submission:

Color Diagnostics, LLC DBA Color Health
Classification: Uncertain significance for Hereditary cancer-predisposing syndrome. Last evaluated: 2024-11-14. Review status: criteria provided, single submitter. Criteria: ACMG Guidelines, 2015. Collection method: clinical testing. Allele origin: germline.
Comment: This missense variant replaces leucine with valine at codon 1356 of the BRCA2 protein. Computational prediction suggests that this variant may not impact protein structure and function. To our knowledge, functional studies have not been reported for this variant. This variant has not been reported in individuals affected with BRCA2-related disorders in the literature. This variant has not been identified in the general population by the Genome Aggregation Database (gnomAD). The available evidence is insufficient to determine the role of this variant in disease conclusively. Therefore, this variant is classified as a Variant of Uncertain Significance.